The following is an entry in ClinVar:

NM_002473.6(MYH9):c.4792C>A (p.Leu1598Met)

Gene: MYH9 (myosin heavy chain 9; minus strand). Cytogenetic location: 22q12.3.
Variant type: single nucleotide variant.
Coding change: c.4792C>A on transcript NM_002473.6 (MANE Select); coding-DNA position 4792, C replaced by A.
Protein change: p.Leu1598Met; replaces leucine 1598 with methionine.
Molecular consequence: missense variant.
Genome position (GRCh38, 1-based): chr22:36,288,392, G>T on the plus strand (C>A on the coding strand, the complement: MYH9 is on the minus strand). VCF-style: chr22-36288392-G-T. GRCh37 (hg19) VCF-style: chr22-36684438-G-T.
Other names: short protein forms L1598M.
Identifiers: ClinVar variation 1312724 (VCV001312724.4), dbSNP rs1163205030, ClinGen allele CA411376758.

ClinVar aggregate classification (germline): Uncertain significance. Review status: criteria provided, multiple submitters, no conflicts (2 of 4 stars). 3 submissions from 3 submitters: Uncertain significance (3). Last evaluated 2025-11-03.

Conditions:
Macrothrombocytopenia and granulocyte inclusions with or without nephritis or sensorineural hearing loss (MATINS). Also called: BLEEDING DISORDER, PLATELET-TYPE, 6; DOHLE LEUKOCYTE INCLUSIONS WITH GIANT PLATELETS; MAY-HEGGLIN ANOMALY; SEBASTIAN PLATELET SYNDROME; MACROTHROMBOCYTOPENIA WITH DISPERSED LEUKOCYTIC INCLUSIONS; MACROTHROMBOCYTOPENIA, NEPHRITIS, AND DEAFNESS. Identifiers: Orphanet 182050, MedGen C5200934, MONDO:0015912, OMIM 155100.
Autosomal dominant nonsyndromic hearing loss 17. Also called: Deafness, autosomal dominant 17; Autosomal dominant nonsyndromic deafness 17. Identifiers: Orphanet 90635, MedGen C1863659, MONDO:0011350, OMIM 603622.

Allele frequency attached by ClinVar (database versions not stated): gnomAD exomes below 0.00001.
gnomAD v4.1: 3 of 1,612,256 alleles (0.00019%); highest among the groups gnomAD compares: Non-Finnish European, 0.00025%; no homozygotes.

Submissions (3):

Labcorp Genetics (formerly Invitae), Labcorp
Classification: Uncertain significance. Last evaluated: 2025-11-03. Review status: criteria provided, single submitter. Criteria: Invitae Variant Classification Sherloc (09022015). Collection method: clinical testing. Allele origin: germline.
Comment: This sequence change replaces leucine, which is neutral and non-polar, with methionine, which is neutral and non-polar, at codon 1598 of the MYH9 protein (p.Leu1598Met). The frequency data for this variant in the population databases is considered unreliable, as metrics indicate poor data quality at this position in the gnomAD database. This variant has not been reported in the literature in individuals affected with MYH9-related conditions. ClinVar contains an entry for this variant (Variation ID: 1312724). Invitae Evidence Modeling of protein sequence and biophysical properties (such as structural, functional, and spatial information, amino acid conservation, physicochemical variation, residue mobility, and thermodynamic stability) has been performed for this missense variant. However, the output from this modeling did not meet the statistical confidence thresholds required to predict the impact of this variant on MYH9 protein function. In summary, the available evidence is currently insufficient to determine the role of this variant in disease. Therefore, it has been classified as a Variant of Uncertain Significance.

Fulgent Genetics
Classification: Uncertain significance for Macrothrombocytopenia and granulocyte inclusions with or without nephritis or sensorineural hearing loss; Autosomal dominant nonsyndromic hearing loss 17. Last evaluated: 2024-01-11. Review status: criteria provided, single submitter. Criteria: ACMG Guidelines, 2015. Collection method: clinical testing. Allele origin: germline.

GeneDx
Classification: Uncertain significance. Last evaluated: 2020-06-23. Review status: criteria provided, single submitter. Criteria: GeneDx Variant Classification Process June 2021. Collection method: clinical testing. Allele origin: germline. Affected: yes.
Comment: Not observed at a significant frequency in large population cohorts (Lek et al., 2016); In silico analysis supports that this missense variant does not alter protein structure/function; Has not been previously published as pathogenic or benign to our knowledge